The following is an entry in ClinVar:

NM_001013838.3(CARMIL2):c.3714T>G (p.Asp1238Glu)

Gene: CARMIL2 (capping protein regulator and myosin 1 linker 2; plus strand). Cytogenetic location: 16q22.1.
Variant type: single nucleotide variant.
Coding change: c.3714T>G on transcript NM_001013838.3 (MANE Select); coding-DNA position 3714, T replaced by G.
Protein change: p.Asp1238Glu; replaces aspartic acid 1238 with glutamic acid.
Molecular consequence: missense variant.
Genome position (GRCh38, 1-based): chr16:67,656,039, T>G. VCF-style: chr16-67656039-T-G. GRCh37 (hg19) VCF-style: chr16-67689942-T-G.
Other names: c.3606T>G, p.Asp1202Glu (NM_001317026.3); short protein forms D1202E, D1238E.
Identifiers: ClinVar variation 2116267 (VCV002116267.4), dbSNP rs2052845783, ClinGen allele CA396346919.

ClinVar aggregate classification (germline): Uncertain significance (1 of 4 stars; one submission).

Submission:

Labcorp Genetics (formerly Invitae), Labcorp
Classification: Uncertain significance. Last evaluated: 2023-11-27. Review status: criteria provided, single submitter. Criteria: Invitae Variant Classification Sherloc (09022015). Collection method: clinical testing. Allele origin: germline.
Comment: This sequence change replaces aspartic acid, which is acidic and polar, with glutamic acid, which is acidic and polar, at codon 1238 of the CARMIL2 protein (p.Asp1238Glu). This variant is not present in population databases (gnomAD no frequency). This variant has not been reported in the literature in individuals affected with CARMIL2-related conditions. ClinVar contains an entry for this variant (Variation ID: 2116267). Advanced modeling of protein sequence and biophysical properties (such as structural, functional, and spatial information, amino acid conservation, physicochemical variation, residue mobility, and thermodynamic stability) performed at Invitae indicates that this missense variant is not expected to disrupt CARMIL2 protein function with a negative predictive value of 80%. In summary, the available evidence is currently insufficient to determine the role of this variant in disease. Therefore, it has been classified as a Variant of Uncertain Significance.